The following is an entry in ClinVar:

NM_014915.3(ANKRD26):c.4078A>G (p.Ile1360Val)

Gene: ANKRD26 (ankyrin repeat domain 26; minus strand). Cytogenetic location: 10p12.1.
Variant type: single nucleotide variant.
Coding change: c.4078A>G on transcript NM_014915.3 (MANE Select); coding-DNA position 4078, A replaced by G.
Protein change: p.Ile1360Val; replaces isoleucine 1360 with valine.
Molecular consequence: missense variant.
Genome position (GRCh38, 1-based): chr10:27,024,454, T>C on the plus strand (A>G on the coding strand, the complement: ANKRD26 is on the minus strand). VCF-style: chr10-27024454-T-C. GRCh37 (hg19) VCF-style: chr10-27313383-T-C.
Other names: c.4075A>G, p.Ile1359Val (NM_001256053.2); short protein forms I1360V, I1359V.
Identifiers: ClinVar variation 2169140 (VCV002169140.9), dbSNP rs755787377, ClinGen allele CA5447867.

ClinVar aggregate classification (germline): Uncertain significance. Review status: criteria provided, multiple submitters, no conflicts (2 of 4 stars). 4 submissions from 4 submitters: Uncertain significance (3). 1 of the submissions does not count toward it. Last evaluated 2025-11-12.

Conditions:
ANKRD26-related disorder. Also called: ANKRD26-related condition.
Thrombocytopenia 2 (THC2). Also called: ANKRD26-Related Thrombocytopenia. Identifiers: Orphanet 268322, MedGen C1861185, MONDO:0008555, OMIM 188000.

Allele frequency attached by ClinVar (database versions not stated): ExAC 0.00004; gnomAD 0.00004; TOPMed 0.00006; gnomAD exomes 0.00009.
gnomAD v4.1: 130 of 1,480,590 alleles (0.0088%); highest among the groups gnomAD compares: Non-Finnish European, 0.011%; no homozygotes.

Submissions (4):

Labcorp Genetics (formerly Invitae), Labcorp
Classification: Uncertain significance. Last evaluated: 2025-11-12. Review status: criteria provided, single submitter. Criteria: Invitae Variant Classification Sherloc (09022015). Collection method: clinical testing. Allele origin: germline.
Comment: This sequence change replaces isoleucine, which is neutral and non-polar, with valine, which is neutral and non-polar, at codon 1360 of the ANKRD26 protein (p.Ile1360Val). This variant is present in population databases (rs755787377, gnomAD 0.008%). This variant has not been reported in the literature in individuals affected with ANKRD26-related conditions. ClinVar contains an entry for this variant (Variation ID: 2169140). An algorithm developed to predict the effect of missense changes on protein structure and function (PolyPhen-2) suggests that this variant is likely to be tolerated. Algorithms developed to predict the effect of sequence changes on RNA splicing suggest that this variant may create or strengthen a splice site. In summary, the available evidence is currently insufficient to determine the role of this variant in disease. Therefore, it has been classified as a Variant of Uncertain Significance.

Fulgent Genetics
Classification: Uncertain significance for Thrombocytopenia 2. Last evaluated: 2024-04-30. Review status: criteria provided, single submitter. Criteria: ACMG Guidelines, 2015. Collection method: clinical testing. Allele origin: germline.

GeneDx
Classification: Uncertain significance. Last evaluated: 2023-10-20. Review status: criteria provided, single submitter. Criteria: GeneDx Variant Classification Process June 2021. Collection method: clinical testing. Allele origin: germline. Affected: yes.
Comment: In silico analysis supports that this missense variant has a deleterious effect on splicing; In silico analysis supports that this missense variant does not alter protein structure/function; Has not been previously published as pathogenic or benign to our knowledge

PreventionGenetics, part of Exact Sciences
Classification: Uncertain significance for ANKRD26-related condition. Last evaluated: 2024-02-13. Review status: no assertion criteria provided. Collection method: clinical testing. Allele origin: germline. Not counted in ClinVar's aggregate classification.
Comment: The ANKRD26 c.4078A>G variant is predicted to result in the amino acid substitution p.Ile1360Val. This variant was found in bone marrow of patient with myeloid malignancy and assessed as a variant of unknown significance (Nyquist et al. 2024. Pub Med ID: 38016923). This variant is reported in 0.0087% of alleles in individuals of European (Non-Finnish) descent in gnomAD and is reported as a variant of unknown significance in the ClinVar database. At this time, the clinical significance of this variant is uncertain due to the absence of conclusive functional and genetic evidence.